The following is an entry in ClinVar:

ClinVar aggregate classification (germline): Uncertain significance (1 of 4 stars; one submission).

Conditions:
Bloom syndrome (BLM). Also called: Bloom-Torre-Machacek syndrome. Identifiers: Orphanet 125, MedGen C0005859, MONDO:0008876, OMIM 210900.

gnomAD v4.1: 1 of 1,614,062 alleles (0.000062%); highest among the groups gnomAD compares: Non-Finnish European, 0.000085%; no homozygotes.

Submission:

Labcorp Genetics (formerly Invitae), Labcorp
Classification: Uncertain significance for Bloom syndrome. Last evaluated: 2025-12-29. Review status: criteria provided, single submitter. Criteria: Invitae Variant Classification Sherloc (09022015). Collection method: clinical testing. Allele origin: germline.
Comment: This sequence change replaces serine, which is neutral and polar, with phenylalanine, which is neutral and non-polar, at codon 480 of the BLM protein (p.Ser480Phe). This variant is not present in population databases (gnomAD no frequency). This missense change has been observed in individual(s) with developmental delay (PMID: 33057194). ClinVar contains an entry for this variant (Variation ID: 1523537). Invitae Evidence Modeling of protein sequence and biophysical properties (such as structural, functional, and spatial information, amino acid conservation, physicochemical variation, residue mobility, and thermodynamic stability) indicates that this missense variant is not expected to disrupt BLM protein function with a negative predictive value of 80%. In summary, the available evidence is currently insufficient to determine the role of this variant in disease. Therefore, it has been classified as a Variant of Uncertain Significance.

Literature cited by the submitters: PubMed 33057194.

NM_000057.4(BLM):c.1439C>T (p.Ser480Phe)

Gene: BLM (BLM RecQ like helicase; plus strand). Cytogenetic location: 15q26.1.
Variant type: single nucleotide variant.
Coding change: c.1439C>T on transcript NM_000057.4 (MANE Select); coding-DNA position 1439, C replaced by T.
Protein change: p.Ser480Phe; replaces serine 480 with phenylalanine.
Molecular consequence: missense variant.
Genome position (GRCh38, 1-based): chr15:90,760,812, C>T. VCF-style: chr15-90760812-C-T. GRCh37 (hg19) VCF-style: chr15-91304042-C-T.
Other names: c.1439C>T, p.Ser480Phe (NM_001287246.2, NM_001287247.2); c.314C>T, p.Ser105Phe (NM_001287248.2); short protein forms S480F, S105F.
Identifiers: ClinVar variation 1523537 (VCV001523537.8), dbSNP rs2151158229, ClinGen allele CA393843061.
Genomic context (GRCh38, chr15:90,760,812, plus strand): 5'-CAAATTCTGTTTCTCCTGGGGACTGTTTACTGACTACCACCCTAGGAAAGACAGGATTCT[C>T]TGCCACCAGGAAGAATCTTTTTGAAAGGCCTTTATTCAATACCCATTTACAGAAGTCCTT-3'
Protein context (NP_000048.1, residues 470-490): LTTTLGKTGF[Ser480Phe]ATRKNLFERP